The following is an entry in ClinVar:

NM_004621.6(TRPC6):c.758G>A (p.Cys253Tyr)

Gene: TRPC6 (transient receptor potential cation channel subfamily C member 6; minus strand). Cytogenetic location: 11q22.1.
Variant type: single nucleotide variant.
Coding change: c.758G>A on transcript NM_004621.6 (MANE Select); coding-DNA position 758, G replaced by A.
Protein change: p.Cys253Tyr; replaces cysteine 253 with tyrosine.
Molecular consequence: missense variant.
Genome position (GRCh38, 1-based): chr11:101,504,211, C>T on the plus strand (G>A on the coding strand, the complement: TRPC6 is on the minus strand). VCF-style: chr11-101504211-C-T. GRCh37 (hg19) VCF-style: chr11-101374942-C-T.
Other names: short protein forms C253Y.
Identifiers: ClinVar variation 3235967 (VCV003235967.1), dbSNP rs761558652, ClinGen allele CA6244470.

ClinVar aggregate classification (germline): Uncertain significance (1 of 4 stars; one submission).

Conditions:
Focal segmental glomerulosclerosis 2 (FSGS2). Identifiers: Orphanet 656, MedGen C1858915, MONDO:0011390, OMIM 603965.

Allele frequency attached by ClinVar (database versions not stated): gnomAD exomes below 0.00001; ExAC 0.00001.

Submission:

MVZ Medizinische Genetik Mainz
Classification: Uncertain significance for Focal segmental glomerulosclerosis 2. Last evaluated: 2021-11-08. Review status: criteria provided, single submitter. Criteria: UK Practice Guidelines For Variant Classification V4 01 2020. Collection method: clinical testing. Allele origin: germline. Inheritance: Autosomal dominant inheritance. Observed: 1 variant allele.
Comment: ACMG Criteria: PM1, PM2_SUP, PP3 (ACMG Version 3)